The following is an entry in ClinVar:

ClinVar aggregate classification (germline): Uncertain significance (1 of 4 stars; one submission).

Submission:

Labcorp Genetics (formerly Invitae), Labcorp
Classification: Uncertain significance. Last evaluated: 2025-05-04. Review status: criteria provided, single submitter. Criteria: Invitae Variant Classification Sherloc (09022015). Collection method: clinical testing. Allele origin: germline.
Comment: This sequence change replaces proline, which is neutral and non-polar, with alanine, which is neutral and non-polar, at codon 753 of the LTBP2 protein (p.Pro753Ala). This variant is not present in population databases (gnomAD no frequency). This variant has not been reported in the literature in individuals affected with LTBP2-related conditions. ClinVar contains an entry for this variant (Variation ID: 2087143). An algorithm developed to predict the effect of missense changes on protein structure and function (PolyPhen-2) suggests that this variant is likely to be tolerated. In summary, the available evidence is currently insufficient to determine the role of this variant in disease. Therefore, it has been classified as a Variant of Uncertain Significance.

NM_000428.3(LTBP2):c.2257C>G (p.Pro753Ala)

Gene: LTBP2 (latent transforming growth factor beta binding protein 2; minus strand). Cytogenetic location: 14q24.3.
Variant type: single nucleotide variant.
Coding change: c.2257C>G on transcript NM_000428.3 (MANE Select); coding-DNA position 2257, C replaced by G.
Protein change: p.Pro753Ala; replaces proline 753 with alanine.
Molecular consequence: missense variant.
Genome position (GRCh38, 1-based): chr14:74,528,594, G>C on the plus strand (C>G on the coding strand, the complement: LTBP2 is on the minus strand). VCF-style: chr14-74528594-G-C. GRCh37 (hg19) VCF-style: chr14-74995297-G-C.
Other names: short protein forms P753A.
Identifiers: ClinVar variation 2087143 (VCV002087143.4), dbSNP rs2506153702, ClinGen allele CA390394677.